The following is an entry in ClinVar:

ClinVar aggregate classification (germline): Benign/Likely benign. Review status: criteria provided, multiple submitters, no conflicts (2 of 4 stars). 2 submissions from 2 submitters: Benign (1); Likely benign (1). Last evaluated 2025-01-08.

Conditions:
Lynch syndrome 5 (LYNCH5). Also called: Colorectal cancer, hereditary nonpolyposis, type 5; Hereditary non-polyposis colorectal cancer, type 5. Identifiers: Orphanet 144, MedGen C1833477, MONDO:0013710, OMIM 614350. Disease mechanism: loss of function.
Hereditary cancer-predisposing syndrome. Also called: Neoplastic Syndromes, Hereditary; Tumor predisposition; Hereditary Cancer Syndrome; Hereditary neoplastic syndrome. Identifiers: Orphanet 140162, MedGen C0027672, MeSH D009386, MONDO:0015356.

Submissions (2):

Myriad Genetics, Inc.
Classification: Benign for Lynch syndrome 5. Last evaluated: 2025-01-08. Review status: criteria provided, single submitter. Criteria: Myriad Autosomal Dominant, Autosomal Recessive and X-Linked Classification Criteria (2023). Collection method: clinical testing. Allele origin: unknown.
Comment: This variant is considered benign. This variant is a silent/synonymous amino acid change and it is not expected to impact splicing.

Color Diagnostics, LLC DBA Color Health
Classification: Likely benign for Hereditary cancer-predisposing syndrome. Last evaluated: 2019-11-13. Review status: criteria provided, single submitter. Criteria: ACMG Guidelines, 2015. Collection method: clinical testing. Allele origin: germline.

NM_000179.3(MSH6):c.3846T>G (p.Thr1282=)

Gene: MSH6 (mutS homolog 6; plus strand). Cytogenetic location: 2p16.3.
Variant type: single nucleotide variant.
Coding change: c.3846T>G on transcript NM_000179.3 (MANE Select); coding-DNA position 3846, T replaced by G.
Protein change: p.Thr1282=; no amino-acid change (threonine 1282 retained).
Molecular consequence: synonymous variant.
Genome position (GRCh38, 1-based): chr2:47,806,496, T>G. VCF-style: chr2-47806496-T-G. GRCh37 (hg19) VCF-style: chr2-48033635-T-G.
Other names: c.3456T>G, p.Thr1152= (NM_001281492.2); c.2940T>G, p.Thr980= (NM_001281493.2, NM_001281494.2).
Identifiers: ClinVar variation 926937 (VCV000926937.3), dbSNP rs1670101376, ClinGen allele CA426122118.